The following is an entry in ClinVar:

NM_003183.6(ADAM17):c.2452G>C (p.Asp818His)

Genes: ADAM17 (ADAM metallopeptidase domain 17; minus strand), IAH1 (isoamyl acetate hydrolyzing esterase 1 (putative); plus strand). Cytogenetic location: 2p25.1.
Variant type: single nucleotide variant.
Coding change: c.2452G>C on transcript NM_003183.6 (MANE Select); coding-DNA position 2452, G replaced by C.
Protein change: p.Asp818His; replaces aspartic acid 818 with histidine.
Molecular consequence: missense variant.
Genome position (GRCh38, 1-based): chr2:9,490,200, C>G on the plus strand (G>C on the coding strand, the complement: ADAM17 is on the minus strand). VCF-style: chr2-9490200-C-G. GRCh37 (hg19) VCF-style: chr2-9630329-C-G.
Other names: c.1792G>C, p.Asp598His (NM_001382777.1); c.1555G>C, p.Asp519His (NM_001382778.1); short protein forms D519H, D598H, D818H.
Identifiers: ClinVar variation 1417441 (VCV001417441.8), dbSNP rs142315365, ClinGen allele CA1523212.
Genomic context (GRCh38, chr2:9,490,200, plus strand): 5'-ATTTTGCACACTTAAGTCAGAAGAGCTGAGAACTAAATTAGCACTCTGTTTCTTTGCTGT[C>G]AACACGATTCTGACGCTGCAGTTTAAAGGAGGCAGCCTTTTCACTTCTGGTGACCGGATG-3'
Protein context (NP_003174.3, residues 808-824): SFKLQRQNRV[Asp818His]SKETEC

ClinVar aggregate classification (germline): Uncertain significance (1 of 4 stars; one submission).

Conditions:
Inflammatory skin and bowel disease, neonatal, 1. Identifiers: Orphanet 294023, MedGen C3280501, MONDO:0013693, OMIM 614328.

Allele frequency attached by ClinVar (database versions not stated): gnomAD exomes below 0.00001 and 0.00002; gnomAD 0.00001; ExAC 0.00003; TOPMed 0.00004; ESP Exome Variant Server 0.00015.
gnomAD v4.1: 3 of 1,597,070 alleles (0.00019%); highest among the groups gnomAD compares: African/African-American, 0.0027%; no homozygotes.

Submission:

Labcorp Genetics (formerly Invitae), Labcorp
Classification: Uncertain significance for Inflammatory skin and bowel disease, neonatal, 1. Last evaluated: 2022-02-24. Review status: criteria provided, single submitter. Criteria: Invitae Variant Classification Sherloc (09022015). Collection method: clinical testing. Allele origin: germline.
Comment: In summary, the available evidence is currently insufficient to determine the role of this variant in disease. Therefore, it has been classified as a Variant of Uncertain Significance. Algorithms developed to predict the effect of missense changes on protein structure and function are either unavailable or do not agree on the potential impact of this missense change (SIFT: "Not Available"; PolyPhen-2: "Possibly Damaging"; Align-GVGD: "Not Available"). This variant has not been reported in the literature in individuals affected with ADAM17-related conditions. This variant is present in population databases (rs142315365, gnomAD 0.02%). This sequence change replaces aspartic acid with histidine at codon 818 of the ADAM17 protein (p.Asp818His). The aspartic acid residue is moderately conserved and there is a moderate physicochemical difference between aspartic acid and histidine.